The following is an entry in ClinVar:

ClinVar aggregate classification (germline): Uncertain significance (1 of 4 stars; one submission).

Conditions:
Familial acute necrotizing encephalopathy (IIAE3). Also called: ENCEPHALOPATHY, ACUTE, INFECTION-INDUCED, SUSCEPTIBILITY TO, 3; Susceptibility to Acute Necrotizing Encephalopathy 1. Identifiers: Orphanet 88619, MedGen C2675556, MONDO:0011953, OMIM 608033.

Allele frequency attached by ClinVar (database versions not stated): gnomAD 0.00004; TOPMed 0.00002.
gnomAD v4.1: 11 of 1,613,928 alleles (0.00068%); highest among the groups gnomAD compares: Admixed American, 0.015%; no homozygotes.

Submission:

Labcorp Genetics (formerly Invitae), Labcorp
Classification: Uncertain significance for Familial acute necrotizing encephalopathy. Last evaluated: 2018-02-28. Review status: criteria provided, single submitter. Criteria: Invitae Variant Classification Sherloc (09022015). Collection method: clinical testing. Allele origin: germline.
Comment: In summary, the available evidence is currently insufficient to determine the role of this variant in disease. Therefore, it has been classified as a Variant of Uncertain Significance. Algorithms developed to predict the effect of missense changes on protein structure and function output the following: SIFT: "Deleterious"; PolyPhen-2: "Benign"; Align-GVGD: "Class C0". The alanine amino acid residue is found in multiple mammalian species, suggesting that this missense change does not adversely affect protein function. These predictions have not been confirmed by published functional studies and their clinical significance is uncertain. This variant has not been reported in the literature in individuals with RANBP2-related disease. This variant is not present in population databases (ExAC no frequency). This sequence change replaces proline with alanine at codon 1771 of the RANBP2 protein (p.Pro1771Ala). The proline residue is weakly conserved and there is a small physicochemical difference between proline and alanine.

NM_006267.5(RANBP2):c.5311C>G (p.Pro1771Ala)

Gene: RANBP2 (RAN binding protein 2; plus strand). Cytogenetic location: 2q13.
Variant type: single nucleotide variant.
Coding change: c.5311C>G on transcript NM_006267.5 (MANE Select); coding-DNA position 5311, C replaced by G.
Protein change: p.Pro1771Ala; replaces proline 1771 with alanine.
Molecular consequence: missense variant.
Genome position (GRCh38, 1-based): chr2:108,765,850, C>G. VCF-style: chr2-108765850-C-G. GRCh37 (hg19) VCF-style: chr2-109382306-C-G.
Other names: short protein forms P1771A.
Identifiers: ClinVar variation 1007456 (VCV001007456.9), dbSNP rs371560504, ClinGen allele CA348071839.
Genomic context (GRCh38, chr2:108,765,850, plus strand): 5'-AGTAAACAAAATCAAACAACTGCAATTTCAACACCTGCCTCTTCGGAGATAAGCAAGGCT[C>G]CAAAGAGTGGATTTGAAGGAATGTTCATCAGGAAAGGACAGTGGGATTGTAGTGTTTGCT-3'
Protein context (NP_006258.3, residues 1761-1781): TPASSEISKA[Pro1771Ala]KSGFEGMFIR